The following is an entry in ClinVar:

NM_024675.4(PALB2):c.1346A>C (p.Lys449Thr)

Gene: PALB2 (partner and localizer of BRCA2; minus strand). Cytogenetic location: 16p12.2.
Variant type: single nucleotide variant.
Coding change: c.1346A>C on transcript NM_024675.4 (MANE Select); coding-DNA position 1346, A replaced by C.
Protein change: p.Lys449Thr; replaces lysine 449 with threonine.
Molecular consequence: missense variant.
Genome position (GRCh38, 1-based): chr16:23,635,200, T>G on the plus strand (A>C on the coding strand, the complement: PALB2 is on the minus strand). VCF-style: chr16-23635200-T-G. GRCh37 (hg19) VCF-style: chr16-23646521-T-G.
Other names: short protein forms K449T.
Identifiers: ClinVar variation 569088 (VCV000569088.12), dbSNP rs876659152, ClinGen allele CA395132206.

ClinVar aggregate classification (germline): Uncertain significance. Review status: criteria provided, multiple submitters, no conflicts (2 of 4 stars). 2 submissions from 2 submitters: Uncertain significance (2). Last evaluated 2024-12-15.

Conditions:
Hereditary cancer-predisposing syndrome. Also called: Hereditary neoplastic syndrome; Tumor predisposition; Neoplastic Syndromes, Hereditary; Hereditary Cancer Syndrome. Identifiers: Orphanet 140162, MedGen C0027672, MeSH D009386, MONDO:0015356.
Familial cancer of breast. Also called: hereditary breast carcinoma; BREAST CANCER, FAMILIAL; Hereditary breast cancer. Identifiers: Orphanet 227535, MedGen C0346153, MONDO:0016419, OMIM 114480. Disease mechanism: loss of function.

Allele frequency attached by ClinVar (database versions not stated): gnomAD exomes below 0.00001.
gnomAD v4.1: 1 of 1,614,166 alleles (0.000062%); highest among the groups gnomAD compares: African/African-American, 0.0013%; no homozygotes.

Submissions (2):

Labcorp Genetics (formerly Invitae), Labcorp
Classification: Uncertain significance for Familial cancer of breast. Last evaluated: 2024-12-15. Review status: criteria provided, single submitter. Criteria: Invitae Variant Classification Sherloc (09022015). Collection method: clinical testing. Allele origin: germline.
Comment: This sequence change replaces lysine, which is basic and polar, with threonine, which is neutral and polar, at codon 449 of the PALB2 protein (p.Lys449Thr). This variant is not present in population databases (gnomAD no frequency). This variant has not been reported in the literature in individuals affected with PALB2-related conditions. ClinVar contains an entry for this variant (Variation ID: 569088). Invitae Evidence Modeling of protein sequence and biophysical properties (such as structural, functional, and spatial information, amino acid conservation, physicochemical variation, residue mobility, and thermodynamic stability) indicates that this missense variant is not expected to disrupt PALB2 protein function with a negative predictive value of 80%. In summary, the available evidence is currently insufficient to determine the role of this variant in disease. Therefore, it has been classified as a Variant of Uncertain Significance.

Ambry Genetics
Classification: Uncertain significance for Hereditary cancer-predisposing syndrome. Last evaluated: 2015-10-19. Review status: criteria provided, single submitter. Criteria: Ambry Variant Classification Scheme 2023. Collection method: clinical testing. Allele origin: germline.
Comment: The p.K449T variant (also known as c.1346A>C), located in coding exon 4 of the PALB2 gene, results from an A to C substitution at nucleotide position 1346. The lysine at codon 449 is replaced by threonine, an amino acid with similar properties. This variant was not reported in population based cohorts in the following databases: Database of Single Nucleotide Polymorphisms (dbSNP), NHLBI Exome Sequencing Project (ESP), and 1000 Genomes Project. In the ESP, this variant was not observed in 6496 samples (12992 alleles) with coverage at this position. To date, this alteration has been detected with an allele frequency of approximately 0.001% (greater than 70000 alleles tested) in our clinical cohort. This amino acid position is well conserved in available vertebrate species. In addition, this alteration is predicted to be tolerated by in silico analysis. Since supporting evidence is limited at this time, the clinical significance of p.K449T remains unclear.